The following is an entry in ClinVar:

ClinVar aggregate classification (germline): Uncertain significance (1 of 4 stars; one submission).

Conditions:
Inborn genetic diseases. Identifiers: MedGen C0950123, MeSH D030342.

Submission:

Ambry Genetics
Classification: Uncertain significance for Inborn genetic diseases. Last evaluated: 2022-09-28. Review status: criteria provided, single submitter. Criteria: Ambry Variant Classification Scheme 2023. Collection method: clinical testing. Allele origin: germline.
Comment: The p.I239L variant (also known as c.715A>C), located in coding exon 8 of the ERCC2 gene, results from an A to C substitution at nucleotide position 715. The isoleucine at codon 239 is replaced by leucine, an amino acid with highly similar properties. This amino acid position is conserved. In addition, the in silico prediction for this alteration is inconclusive. Since supporting evidence is limited at this time, the clinical significance of this alteration remains unclear.

NM_000400.4(ERCC2):c.715A>C (p.Ile239Leu)

Gene: ERCC2 (ERCC excision repair 2, TFIIH core complex helicase subunit; minus strand). Cytogenetic location: 19q13.32.
Variant type: single nucleotide variant.
Coding change: c.715A>C on transcript NM_000400.4 (MANE Select); coding-DNA position 715, A replaced by C.
Protein change: p.Ile239Leu; replaces isoleucine 239 with leucine.
Molecular consequence: missense variant.
Genome position (GRCh38, 1-based): chr19:45,364,427, T>G on the plus strand (A>C on the coding strand, the complement: ERCC2 is on the minus strand). VCF-style: chr19-45364427-T-G. GRCh37 (hg19) VCF-style: chr19-45867685-T-G.
Other names: c.643A>C, p.Ile215Leu (NM_001130867.2); short protein forms I239L, I215L.
Identifiers: ClinVar variation 1757421 (VCV001757421.2), dbSNP rs1450286298, ClinGen allele CA406374269.
Genomic context (GRCh38, chr19:45,364,427, plus strand): 5'-TGCAGGGGCCTCACTCAGAGGGGCTGGCATCCCTTTGGCCCCTGGCGCCCCCCTCACCAA[T>G]GTTGTGGGCCTCGTCGAAGACCACGACGGCCTTGCGGGCCAGTTCCTTGGACACCAGGTC-3'
Protein context (NP_000391.1, residues 229-249): AVVVFDEAHN[Ile239Leu]DNVCIDSMSV